The following is an entry in ClinVar:

ClinVar aggregate classification (germline): Conflicting classifications of pathogenicity. Review status: criteria provided, conflicting classifications (1 of 4 stars). 10 submissions from 10 submitters: Uncertain significance (4); Benign (1); Likely benign (4). 1 of the submissions does not count toward it. Last evaluated 2026-01-27.

Conditions:
Hereditary cancer-predisposing syndrome. Also called: Hereditary Cancer Syndrome; Tumor predisposition; Neoplastic Syndromes, Hereditary; Hereditary neoplastic syndrome. Identifiers: Orphanet 140162, MedGen C0027672, MeSH D009386, MONDO:0015356.
Hereditary breast ovarian cancer syndrome. Also called: Breast and ovarian cancer; BRCA1- and BRCA2-Associated Hereditary Breast and Ovarian Cancer; Hereditary breast and ovarian cancer; Hereditary breast and ovarian cancer syndrome (HBOC); Hereditary breast and ovarian cancer syndrome; Hereditary breast and/or ovarian cancer syndrome. Identifiers: Orphanet 145, MedGen C0677776, MeSH D061325, MONDO:0003582. Disease mechanism: loss of function.
Breast-ovarian cancer, familial, susceptibility to, 1 (BROVCA1). Also called: BRCA1 Hereditary Breast and Ovarian Cancer; OVARIAN CANCER, SUSCEPTIBILITY TO. Identifiers: Orphanet 145, MedGen C2676676, MONDO:0011450, OMIM 604370. Disease mechanism: loss of function.
Familial cancer of breast. Also called: BREAST CANCER, FAMILIAL; hereditary breast carcinoma; Hereditary breast cancer. Identifiers: Orphanet 227535, MedGen C0346153, MONDO:0016419, OMIM 114480. Disease mechanism: loss of function.

Allele frequency attached by ClinVar (database versions not stated): TOPMed 0.00001.
gnomAD v4.1: 5 of 1,613,894 alleles (0.00031%); highest among the groups gnomAD compares: Non-Finnish European, 0.00042%; no homozygotes.

Submissions (10):

Labcorp Genetics (formerly Invitae), Labcorp
Classification: Likely benign for Hereditary breast ovarian cancer syndrome. Last evaluated: 2026-01-27. Review status: criteria provided, single submitter. Criteria: Invitae Variant Classification Sherloc (09022015). Collection method: clinical testing. Allele origin: germline.

Women's Health and Genetics/Laboratory Corporation of America, LabCorp
Classification: Likely benign. Last evaluated: 2025-10-27. Review status: criteria provided, single submitter. Criteria: LabCorp Variant Classification Summary - May 2015. Collection method: clinical testing. Allele origin: germline.
Comment: Variant summary: BRCA1 c.2998G>A (p.Glu1000Lys) results in a conservative amino acid change in the encoded protein sequence. Algorithms developed to predict the effect of missense changes on protein structure and function all suggest that this variant is likely to be tolerated. The variant allele was found at a frequency of 4e-06 in 250624 control chromosomes. The available data on variant occurrences in the general population are insufficient to allow any conclusion about variant significance. c.2998G>A has been reported in the literature in at least one individual affected with Hereditary Breast And Ovarian Cancer Syndrome (Judkins_2005). This report does not provide unequivocal conclusions about association of the variant with Hereditary Breast And Ovarian Cancer Syndrome. At least one publication reports experimental evidence evaluating an impact on protein function. These results showed no damaging effect of this variant. The following publications have been ascertained in the context of this evaluation (PMID: 32546644, 16267036, 39096911). ClinVar contains an entry for this variant (Variation ID: 54742). Based on the evidence outlined above, the variant was classified as likely benign.

Ambry Genetics
Classification: Uncertain significance for Hereditary cancer-predisposing syndrome. Last evaluated: 2025-09-06. Review status: criteria provided, single submitter. Criteria: Ambry Variant Classification Scheme 2023. Collection method: clinical testing. Allele origin: germline.
Comment: The p.E1000K variant (also known as c.2998G>A), located in coding exon 9 of the BRCA1 gene, results from a G to A substitution at nucleotide position 2998. The glutamic acid at codon 1000 is replaced by lysine, an amino acid with similar properties. This variant was previously detected in a patient from a hereditary breast/ovarian cancer family (Judkins T et al. Cancer Res., 2005 Nov;65:10096-103). This amino acid position is not well conserved in available vertebrate species. In addition, the in silico prediction for this alteration is inconclusive. Since supporting evidence is limited at this time, the clinical significance of this alteration remains unclear.

CeGaT Center for Human Genetics Tuebingen
Classification: Likely benign. Last evaluated: 2024-08-01. Review status: criteria provided, single submitter. Criteria: CeGaT Center For Human Genetics Tuebingen Variant Classification Criteria Version 2. Collection method: clinical testing. Allele origin: germline. Affected: yes. Observed: 1 variant allele.
Comment: BRCA1: PM2, BP1, BP4, BS3:Supporting

Color Diagnostics, LLC DBA Color Health
Classification: Uncertain significance for Hereditary cancer-predisposing syndrome. Last evaluated: 2024-05-24. Review status: criteria provided, single submitter. Criteria: ACMG Guidelines, 2015. Collection method: clinical testing. Allele origin: germline.
Comment: This missense variant replaces glutamic acid with lysine at codon 1000 of the BRCA1 protein. Computational prediction suggests that this variant may not impact protein structure and function. A functional study has reported that this variant does not impact BRCA1 function in cisplatin and PARP inhibitor sensitivity assays and in a homology-directed DNA repair assay in mouse Brca1-null embryonic stem cells (PMID: 32546644). This variant has been detected in a breast cancer case-control meta-analysis in 3/60466 cases and 1/53461 unaffected individuals (PMID: 33471991; Leiden Open Variation Database DB-ID BRCA1_001846). A multifactorial analysis has reported co-occurrence and family history likelihood ratios of pathogenicity of 1.1026 and 0.045, respectively (PMID: 31131967). This variant has been identified in 1/250624 chromosomes in the general population by the Genome Aggregation Database (gnomAD). The available evidence is insufficient to determine the role of this variant in disease conclusively. Therefore, this variant is classified as a Variant of Uncertain Significance.

GeneDx
Classification: Uncertain significance. Last evaluated: 2024-03-18. Review status: criteria provided, single submitter. Criteria: GeneDx Variant Classification Process June 2021. Collection method: clinical testing. Allele origin: germline. Affected: yes.
Comment: Reported in an individual undergoing clinical BRCA1/2 testing (PMID: 16267036); In silico analysis supports that this missense variant has a deleterious effect on protein structure/function; Not observed at significant frequency in large population cohorts (gnomAD); Also known as 3117G>A; This variant is associated with the following publications: (PMID: 10923033, 32377563, 29884841, 16267036, 15343273, 31131967)

MGZ Medical Genetics Center
Classification: Benign for Familial cancer of breast. Last evaluated: 2024-02-09. Review status: criteria provided, single submitter. Criteria: CSpec BRCA1/2ACMG Rules Specifications V1.1.0. Collection method: clinical testing. Allele origin: germline. Affected: yes.
Comment: ACMG codes applied following ENIGMA VCEP rules: BP1_STR, BS3, BP5_MOD, PM2_SUP

All of Us Research Program, National Institutes of Health
Classification: Uncertain significance for Breast-ovarian cancer, familial, susceptibility to, 1. Last evaluated: 2023-04-03. Review status: criteria provided, single submitter. Criteria: ACMG Guidelines, 2015. Collection method: clinical testing. Allele origin: germline. Inheritance: Autosomal dominant inheritance. Observed: 1 variant allele, 1 heterozygote.
Comment: This missense variant replaces glutamic acid with lysine at codon 1000 of the BRCA1 protein. Computational prediction suggests that this variant may not impact protein structure and function (internally defined REVEL score threshold <= 0.5, PMID: 27666373). A functional study has reported that this variant does not impact BRCA1 function in cisplatin and PARP inhibitor sensitivity assays and in a homology-directed DNA repair assay in mouse Brca1-null embryonic stem cells (PMID: 32546644). This variant has been detected in a breast cancer case-control meta-analysis in 3/60466 cases and 1/53461 unaffected individuals (PMID: 33471991; Leiden Open Variation Database DB-ID BRCA1_001846). A multifactorial analysis has reported co-occurrence and family history likelihood ratios of pathogenicity of 1.1026 and 0.045, respectively (PMID: 31131967). This variant has been identified in 1/250624 chromosomes in the general population by the Genome Aggregation Database (gnomAD). The available evidence is insufficient to determine the role of this variant in disease conclusively. Therefore, this variant is classified as a Variant of Uncertain Significance.

This study involves interpretation of variants in research participants for the purpose of population health screening. Participant phenotype was not available at the time of variant classification. Additional details can be found in publication PMID: 35346344, PMCID: PMC8962531

University of Washington Department of Laboratory Medicine, University of Washington
Classification: Likely benign for Hereditary cancer-predisposing syndrome. Last evaluated: 2023-03-23. Review status: criteria provided, single submitter. Criteria: Dines et al. (Genet Med. 2020). Collection method: curation. Allele origin: germline.
Comment: Missense variant in a coldspot region where missense variants are very unlikely to be pathogenic (PMID:31911673).

BRCA1 coldspot (exon 11 using historical exon numbering). Reclassification based on statistical prior probability

Breast Cancer Information Core (BIC) (BRCA1)
Classification: Uncertain significance for Breast-ovarian cancer, familial 1. Last evaluated: 2004-02-20. Review status: no assertion criteria provided. Collection method: clinical testing. Allele origin: germline. Affected: yes. Observed: 1 variant allele. Not counted in ClinVar's aggregate classification.

Literature cited by the submitters: PubMed 16267036 (cited by Women's Health and Genetics/Laboratory Corporation of America, LabCorp and Ambry Genetics); PubMed 32546644 (cited by 4 submitters); PubMed 39096911 (cited by Women's Health and Genetics/Laboratory Corporation of America, LabCorp); PubMed 31131967 (cited by Color Diagnostics, LLC DBA Color Health and All of Us Research Program, National Institutes of Health); PubMed 33471991 (cited by Color Diagnostics, LLC DBA Color Health and All of Us Research Program, National Institutes of Health).

NM_007294.4(BRCA1):c.2998G>A (p.Glu1000Lys)

Gene: BRCA1 (BRCA1 DNA repair associated; minus strand). Cytogenetic location: 17q21.31.
Variant type: single nucleotide variant.
Coding change: c.2998G>A on transcript NM_007294.4 (MANE Select); coding-DNA position 2998, G replaced by A.
Protein change: p.Glu1000Lys; replaces glutamic acid 1000 with lysine.
Molecular consequence: missense variant. On other transcripts: intron variant (137).
Genome position (GRCh38, 1-based): chr17:43,092,533, C>T on the plus strand (G>A on the coding strand, the complement: BRCA1 is on the minus strand). VCF-style: chr17-43092533-C-T. GRCh37 (hg19) VCF-style: chr17-41244550-C-T.
Other names: c.2785G>A, p.Glu929Lys (NM_001407571.1, NM_001407853.1, NM_001407894.1 and 9 more transcripts); c.2998G>A, p.Glu1000Lys (NM_001407581.1, NM_001407582.1, NM_001407583.1 and 30 more transcripts); c.2995G>A, p.Glu999Lys (NM_001407587.1, NM_001407590.1, NM_001407591.1 and 22 more transcripts); c.2920G>A, p.Glu974Lys (NM_001407658.1, NM_001407663.1, NM_001407653.1 and 4 more transcripts); c.2917G>A, p.Glu973Lys (NM_001407659.1, NM_001407660.1, NM_001407661.1 and 1 more transcripts); c.2875G>A, p.Glu959Lys (NM_001407664.1, NM_001407665.1, NM_001407666.1 and 19 more transcripts); c.2872G>A, p.Glu958Lys (NM_001407685.1, NM_001407940.1, NM_001407941.1 and 11 more transcripts); c.2857G>A, p.Glu953Lys (NM_001407697.1, NM_001407698.1, NM_001407724.1 and 29 more transcripts); and 41 more; short protein forms E1000K, E953K, E912K, E952K, E958K, E974K, E997K, E704K.
Identifiers: ClinVar variation 54742 (VCV000054742.39), dbSNP rs80357124, ClinGen allele CA001951.